The following is an entry in ClinVar:

NM_000787.4(DBH):c.339+2T>C

Gene: DBH (dopamine beta-hydroxylase; plus strand). Cytogenetic location: 9q34.2.
Variant type: single nucleotide variant.
Coding change: c.339+2T>C on transcript NM_000787.4 (MANE Select); the canonical splice donor site of the intron after coding-DNA position 339, T replaced by C.
Molecular consequence: splice donor variant.
Genome position (GRCh38, 1-based): chr9:133,636,712, T>C. VCF-style: chr9-133636712-T-C. GRCh37 (hg19) VCF-style: chr9-136501834-T-C.
Other names: IVS1+2T>C.
Identifiers: ClinVar variation 1750 (VCV000001750.38), dbSNP rs74853476, ClinGen allele CA339912.

ClinVar aggregate classification (germline): Pathogenic. Review status: criteria provided, multiple submitters, no conflicts (2 of 4 stars). 19 submissions from 19 submitters: Pathogenic (15). 4 of the submissions do not count toward it. Last evaluated 2026-08-06.

Conditions:
DBH-related disorder. Also called: DBH-related condition.
Orthostatic hypotension 1 (ORTHYP1). Also called: Dopamine beta-hydroxylase deficiency; Orthostatic hypotension 1, due to DBH deficiency; NORADRENALINE DEFICIENCY; NOREPINEPHRINE DEFICIENCY. Identifiers: Orphanet 230, MedGen C4746777, MONDO:0009123, OMIM 223360.

Allele frequency attached by ClinVar (database versions not stated): 1000 Genomes Project 30x 0.00031; 1000 Genomes Project 0.00040; ExAC 0.00060; gnomAD exomes 0.00072 and 0.00156; ESP Exome Variant Server 0.00092; gnomAD 0.00105 and 0.00106; TOPMed 0.00108.
gnomAD v4.1: 2,414 of 1,600,532 alleles (0.15%); highest among the groups gnomAD compares: Non-Finnish European, 0.19%; no homozygotes.

Submissions 1 to 11 of 20:

OLLIN Analises Genomicas, OLLIN
Classification: Pathogenic for Orthostatic hypotension 1. Last evaluated: 2026-08-06. Review status: criteria provided, single submitter. Criteria: ACMG Guidelines 2015 PMID 25741868. Collection method: clinical testing. Allele origin: germline.
Comment: This variant, located at the canonical splicing site (splice donor), has been reported in ClinVar (accession VCV000001750.36), in gnomAD with an allele frequency of 0.15%, and in the scientific literature, segregating with the phenotype and in compound heterozygosity, in individuals with DBH related disorders (PMID: 21209083, 11857564, 14598346, 21471955, 15060114). This variant is predicted to disrupt a canonical splice site, potentially leading to exon skipping, mRNA degradation via nonsense-mediated decay (NMD), or production of a truncated protein. Functional studies suggest that this variant may affect protein function (PMID: 21209083). According to the currently available evidence, this variant has been classified as pathogenic (PVS1, PS3_P, PM2_P, PM3_VS, PP1).

PreventionGenetics, part of Exact Sciences
Classification: Pathogenic for DBH-related condition. Last evaluated: 2026-06-12. Review status: criteria provided, single submitter. Criteria: ACMG Guidelines, 2015. Collection method: clinical testing. Allele origin: germline.
Comment: The DBH c.339+2T>C variant is predicted to disrupt the GT donor site and interfere with normal splicing. This variant has been reported in the homozygous and compound heterozygous states in multiple patients with dopamine beta-hydroxylase deficiency (e.g., Kim et al., 2002. PubMed ID: 11857564; Arnold et al. 2017. PubMed ID: 27778639). In vitro studies have shown that this variant leads to aberrant splicing (Kim et al., 2002. PubMed ID: 11857564) and undetectable DBH protein levels (Kim et al. 2011. PubMed ID: 21209083). This variant is reported in 0.13% of alleles in individuals of European (Non-Finnish) descent in gnomAD. Variants that disrupt the consensus splice donor site in DBH are expected to be pathogenic. This variant is interpreted as pathogenic.

Dasa
Classification: Pathogenic. Last evaluated: 2025-12-26. Review status: criteria provided, single submitter. Criteria: DASA Assertion Criteria. Collection method: clinical testing. Allele origin: germline.
Comment: NM_000787.4(DBH):c.339+2T>C affects a canonical splice site and is predicted to disrupt normal RNA splicing, leading to loss of normal protein function. Loss-of-function is an established mechanism of disease for this gene. Functional evidence supports a deleterious effect on the gene or gene product (PMID: 11857564; PMID: 15060114; PMID: 21209083; PMID: 27778639). This variant has been recurrently observed in individuals with related phenotype (PMID: 11857564; PMID: 15060114; PMID: 21209083; PMID: 27778639). Segregation evidence has been reported in affected families. The variant is present at low frequency in population datasets. Based on the available data, this variant is classified as pathogenic.

Labcorp Genetics (formerly Invitae), Labcorp
Classification: Pathogenic for Orthostatic hypotension 1. Last evaluated: 2025-12-03. Review status: criteria provided, single submitter. Criteria: Invitae Variant Classification Sherloc (09022015). Collection method: clinical testing. Allele origin: germline.
Comment: This sequence change affects a donor splice site in intron 1 of the DBH gene. RNA analysis indicates that disruption of this splice site induces altered splicing and may result in an absent or altered protein product. This variant is present in population databases (rs74853476, gnomAD 0.1%), and has an allele count higher than expected for a pathogenic variant. Disruption of this splice site has been observed in individuals with dopamine beta-hydroxylase deficiency (PMID: 11857564, 15060114, 21209083, 27778639). It has also been observed to segregate with disease in related individuals. This variant is also known as IVS1+2T>C. ClinVar contains an entry for this variant (Variation ID: 1750). Studies have shown that disruption of this splice site results in abnormal mRNA splicing, and produces a non-functional protein and/or introduces a premature termination codon (PMID: 11857564, 21209083). For these reasons, this variant has been classified as Pathogenic.

Variantyx, Inc.
Classification: Pathogenic for Orthostatic hypotension 1. Last evaluated: 2025-04-30. Review status: criteria provided, single submitter. Criteria: Variantyx Assertion Criteria 2022. Collection method: clinical testing. Allele origin: germline. Inheritance: Autosomal recessive inheritance. Affected: no.
Comment: This is a canonical splicing variant in the DBH gene (OMIM: 609312). Pathogenic variants in this gene have been associated with autosomal recessive orthostatic hypotension 1, due to DBH deficiency. This splicing variant is expected to result in loss of function, which is a known disease mechanism for DBH in this disorder (PMID: 27778639, 21209083, 15060114) (PVS1). This variant has been observed to segregate with disease in at least two individuals from one family (PMID: 15060114) (PP1) and has a 0.1661% maximum allele frequency in non-founder control populations (PM2). Based on the current evidence, this variant is classified as pathogenic for autosomal recessive orthostatic hypotension 1, due to DBH deficiency.

Blueprint Genetics
Classification: Pathogenic for DBH-related disorders. Last evaluated: 2024-10-14. Review status: criteria provided, single submitter. Criteria: ACMG Guidelines, 2015. Collection method: clinical testing. Allele origin: de novo. Affected: yes. Observed: 5 variant alleles.

Fulgent Genetics
Classification: Pathogenic for Orthostatic hypotension 1. Last evaluated: 2023-12-22. Review status: criteria provided, single submitter. Criteria: ACMG Guidelines, 2015. Collection method: clinical testing. Allele origin: germline.

Women's Health and Genetics/Laboratory Corporation of America, LabCorp
Classification: Pathogenic for Orthostatic hypotension 1. Last evaluated: 2023-12-04. Review status: criteria provided, single submitter. Criteria: LabCorp Variant Classification Summary - May 2015. Collection method: clinical testing. Allele origin: germline.
Comment: Variant summary: DBH c.339+2T>C is located in a canonical splice-site and is predicted to affect mRNA splicing resulting in a significantly altered protein due to either exon skipping, shortening, or inclusion of intronic material. Several computational tools predict a significant impact on normal splicing: three predict the variant abolishes a 5' splicing donor site, and one predicts the variant weakens a 5' donor site. At least one publication reports experimental evidence that this variant results in aberrant mRNA splicing leading to the introduction of a premature stop codon (e.g., Kim_2002). The variant allele was found at a frequency of 0.00072 in 238286 control chromosomes (gnomAD). The available data on variant occurrences in the general population are insufficient to allow any conclusion about variant significance. c.339+2T>C has been reported in the literature in both homozygous and compound heterozygous individuals affected with Orthostatic Hypotension 1 (e.g., Kim_2002, Deinum_2004). These data indicate that the variant is very likely to be associated with disease. The following publications have been ascertained in the context of this evaluation (PMID: 15060114, 11857564). Six submitters have reported clinical-significance assessments for this variant to ClinVar after 2014. All submitters classified the variant as pathogenic. Based on the evidence outlined above, the variant was classified as pathogenic.

New York Genome Center
Classification: Pathogenic for Orthostatic hypotension 1. Last evaluated: 2023-01-26. Review status: criteria provided, single submitter. Criteria: NYGC Assertion Criteria 2020. Collection method: clinical testing. Allele origin: inherited. Observed: 1 homozygote. Study: PrenatalSEQ.
Comment: The c.339+2T>C variant in DBH has previously been reported in individuals with dopamine beta hydroxylase deficiency [PMID: 11857564, 15060114, 23622564, 27778639], and it has been deposited in ClinVar [ClinVar ID: 1750]. The c.339+2T>C variant is observed in 503 alleles (~0.09% minor allele frequency with 0 homozygotes) in population databases (gnomAD v2.1.1 and v3.1.2, TOPMed Freeze 8), suggesting it is not a common benign variant in the populations represented in those databases. The c.339+2T>C variant in DBH is located in the canonical splice donor site of exon 1 of this 11 exon gene, and predicted to result in loss of splice donor site [splice AI= 0.5854]. In vitro studies demonstrated the c.339+2T>C (previously IVS1+2T>C) variant results in absent protein [PMID: 21209083]. Based on available evidence this homozygous c.339+2T>C variant identified in DBH is classified as Pathogenic.

GeneDx
Classification: Pathogenic. Last evaluated: 2022-04-06. Review status: criteria provided, single submitter. Criteria: GeneDx Variant Classification Process June 2021. Collection method: clinical testing. Allele origin: germline. Affected: yes.
Comment: Canonical splice site variant in a gene for which loss-of-function is a known mechanism of disease; Published functional studies suggest a damaging effect: non-detectable DBH production (Kim et al., 2011); This variant is associated with the following publications: (PMID: 21209083, 14598346, 31980526, 11857564, 15060114, 21471955, 20301647, 31589614, 27778639)

Revvity Omics, Revvity
Classification: Pathogenic for Orthostatic hypotension 1. Last evaluated: 2020-12-09. Review status: criteria provided, single submitter. Criteria: ACMG Guidelines, 2015. Collection method: clinical testing. Allele origin: germline.